The following is an entry in ClinVar:

ClinVar aggregate classification (germline): Uncertain significance (1 of 4 stars; one submission).

Conditions:
Malignant hyperthermia, susceptibility to, 1 (MHS1). Also called: RYR1-Related Malignant Hyperthermia Susceptibility; Malignant hyperthermia suceptibility 1; Anesthesia related hyperthermia; Malignant hyperpyrexia; Fulminating hyperpyrexia; Pharmacogenic myopathy. Identifiers: Orphanet 423, MedGen C2930980, MONDO:0007783, OMIM 145600.

Submission:

Color Diagnostics, LLC DBA Color Health
Classification: Uncertain significance for Malignant hyperthermia, susceptibility to, 1. Last evaluated: 2025-05-21. Review status: criteria provided, single submitter. Criteria: ACMG Guidelines, 2015. Collection method: clinical testing. Allele origin: germline.
Comment: This missense variant replaces asparagine with serine at codon 2176 of the RYR1 protein. Computational prediction suggests that this variant may not impact protein structure and function. To our knowledge, functional studies have not been reported for this variant. This variant has not been reported in individuals affected with RYR1-related disorders in the literature. This variant has not been identified in the general population by the Genome Aggregation Database (gnomAD). The available evidence is insufficient to determine the role of this variant in disease conclusively. Therefore, this variant is classified as a Variant of Uncertain Significance.

NM_000540.3(RYR1):c.6527A>G (p.Asn2176Ser)

Gene: RYR1 (ryanodine receptor 1; plus strand). Cytogenetic location: 19q13.2.
Variant type: single nucleotide variant.
Coding change: c.6527A>G on transcript NM_000540.3 (MANE Select); coding-DNA position 6527, A replaced by G.
Protein change: p.Asn2176Ser; replaces asparagine 2176 with serine.
Molecular consequence: missense variant.
Genome position (GRCh38, 1-based): chr19:38,494,604, A>G. VCF-style: chr19-38494604-A-G. GRCh37 (hg19) VCF-style: chr19-38985244-A-G.
Other names: c.6527A>G, p.Asn2176Ser (NM_001042723.2); short protein forms N2176S.
Identifiers: ClinVar variation 4756704 (VCV004756704.1).
Genomic context (GRCh38, chr19:38,494,604, plus strand): 5'-TCGAGTGCCTCGGCCAGATCCGCTCGCTGCTCATCGTGCAGATGGGCCCCCAGGAGGAGA[A>G]CCTCATGATCCAGAGCATCGGGTGAGACACCGCCCTTCCCCCTTACTTTGCATATCCCCT-3'
Protein context (NP_000531.2, residues 2166-2186): LIVQMGPQEE[Asn2176Ser]LMIQSIGNIM